The following is an entry in ClinVar:

NM_000093.5(COL5A1):c.3726_3732del (p.Gly1243fs)

Gene: COL5A1 (collagen type V alpha 1 chain; plus strand). Cytogenetic location: 9q34.3.
Variant type: Deletion.
Coding change: c.3726_3732del on transcript NM_000093.5 (MANE Select); coding-DNA positions 3726 to 3732, 7 bases deleted (AGGAGAC; older notation c.3726_3732delAGGAGAC).
Protein change: p.Gly1243fs; shifts the reading frame from glycine 1243.
Molecular consequence: frameshift variant.
Genome position (GRCh38, 1-based): chr9:134,812,484-134,812,490, AGGAGAC deleted; deleting any 7 consecutive bases within chr9:134,812,479-134,812,490 gives the same sequence; the c. name uses the placement nearest the transcript's 3' end. VCF-style (leftmost placement, unchanged base first): chr9-134812478-TGAGACAG-T. GRCh37 (hg19) VCF-style: chr9-137704324-TGAGACAG-T.
Other names: c.3726_3732del, p.Gly1243fs (NM_001278074.1); c.3726_3732delAGGAGAC (NM_000093.3); c.3726_3732del (NM_000093.3); short protein forms G1243fs.
Identifiers: ClinVar variation 450689 (VCV000450689.3), dbSNP rs1554805076, ClinGen allele CA658657939.
Genomic context (GRCh38, chr9:134,812,478, plus strand): 5'-AGCGCTTAACTGGGAAGTTTCCTGTTCTCAGGGTTTGCCAGGACCTCCAGGCGAGAAGGG[TGAGACAG>T]GAGACGTGGGCCAGATGGTAAGTGTGCCTGAGACTCCAAGGCCTTGCCGTACTAGCGGCT-3'

ClinVar aggregate classification (germline): Pathogenic (1 of 4 stars; one submission).

Submission:

GeneDx
Classification: Pathogenic. Last evaluated: 2024-10-28. Review status: criteria provided, single submitter. Criteria: GeneDx Variant Classification Process June 2021. Collection method: clinical testing. Allele origin: germline. Affected: yes.
Comment: Has not been previously published as pathogenic or benign to our knowledge; Not observed at significant frequency in large population cohorts (gnomAD); Frameshift variant predicted to result in protein truncation or nonsense mediated decay in a gene for which loss of function is a known mechanism of disease